The following is an entry in ClinVar:

NM_133443.4(GPT2):c.274C>T (p.Arg92Ter)

Gene: GPT2 (glutamic--pyruvic transaminase 2; plus strand). Cytogenetic location: 16q11.2.
Variant type: single nucleotide variant.
Coding change: c.274C>T on transcript NM_133443.4 (MANE Select); coding-DNA position 274, C replaced by T.
Protein change: p.Arg92Ter; replaces arginine 92 with a stop codon.
Molecular consequence: nonsense. On other transcripts: 5 prime UTR variant (1).
Genome position (GRCh38, 1-based): chr16:46,897,678, C>T. VCF-style: chr16-46897678-C-T. GRCh37 (hg19) VCF-style: chr16-46931590-C-T.
Other names: c.-27C>T (NM_001142466.3); short protein forms R92*.
Identifiers: ClinVar variation 1324512 (VCV001324512.5), dbSNP rs190315044, ClinGen allele CA8038539.

ClinVar aggregate classification (germline): Pathogenic/Likely pathogenic. Review status: criteria provided, multiple submitters, no conflicts (2 of 4 stars). 2 submissions from 2 submitters: Pathogenic (1); Likely pathogenic (1). Last evaluated 2026-04-09.

Conditions:
Glutamate pyruvate transaminase 2 deficiency (NEDSPM). Also called: Neurodevelopmental disorder with microcephaly and spastic paraplegia. Identifiers: Orphanet 477673, MedGen C4225388, MONDO:0014567, OMIM 616281.

Allele frequency attached by ClinVar (database versions not stated): gnomAD 0.00001 and 0.00002; TOPMed 0.00002; 1000 Genomes Project 0.00020; 1000 Genomes Project 30x 0.00031.

Submissions (2):

Women's Health and Genetics/Laboratory Corporation of America, LabCorp
Classification: Pathogenic for Glutamate pyruvate transaminase 2 deficiency. Last evaluated: 2026-04-09. Review status: criteria provided, single submitter. Criteria: LabCorp Variant Classification Summary - May 2015. Collection method: clinical testing. Allele origin: germline.
Comment: Variant summary: GPT2 c.274C>T (p.Arg92X) results in a premature termination codon, predicted to cause a truncation of the encoded protein or absence of the protein due to nonsense mediated decay, which are commonly known mechanisms for disease. The variant allele was found at a frequency of 4e-06 in 251414 control chromosomes. To our knowledge, no occurrence of c.274C>T in individuals affected with GPT2-related conditions and no experimental evidence demonstrating its impact on protein function have been reported. ClinVar contains an entry for this variant (Variation ID: 1324512). Based on the evidence outlined above, the variant was classified as pathogenic.

Revvity Omics, Revvity
Classification: Likely pathogenic for Glutamate pyruvate transaminase 2 deficiency. Last evaluated: 2021-10-08. Review status: criteria provided, single submitter. Criteria: ACMG Guidelines, 2015. Collection method: clinical testing. Allele origin: germline.